The following is an entry in ClinVar:

ClinVar aggregate classification (germline): Uncertain significance (1 of 4 stars; one submission).

Conditions:
Spondylocarpotarsal synostosis syndrome (SCT). Also called: SPONDYLOCARPOTARSAL SYNDROME; VERTEBRAL FUSION WITH CARPAL COALITION; Synspondylism congenital; Scoliosis, congenital with unilateral unsegmented bar; Spondylocarpotarsal Synostosis Syndrome (FLNB-SCT). Identifiers: Orphanet 3275, MedGen C1848934, MONDO:0010094, OMIM 272460.
Atelosteogenesis type I. Also called: GIANT CELL CHONDRODYSPLASIA; SPONDYLOHUMEROFEMORAL HYPOPLASIA; Atelosteogenesis Type 1 (FLNB-AO1). Identifiers: Orphanet 1190, MedGen C0265283, MONDO:0007167, OMIM 108720.
Boomerang dysplasia. Identifiers: Orphanet 1263, MedGen C0432201, MONDO:0007208, OMIM 112310.
Atelosteogenesis type III. Also called: Atelosteogenesis Type 3 (FLNB-AO3). Identifiers: Orphanet 56305, MedGen C3668942, MONDO:0007168, OMIM 108721.
Larsen syndrome (LRS). Also called: Bilateral dislocation of the knees, pes cavus, cylindrically shaped fingers and characteristic facies; Larsen syndrome (FLNB-LS). Identifiers: Orphanet 503, MedGen C0175778, MONDO:0007875, OMIM 150250. Disease mechanism: loss of function.
FLNB-Related Spectrum Disorders.

Allele frequency attached by ClinVar (database versions not stated): ExAC 0.00002; gnomAD exomes 0.00002 and below 0.00001; gnomAD 0.00003 and 0.00004; TOPMed 0.00003; ESP Exome Variant Server 0.00023.
gnomAD v4.1: 10 of 1,614,048 alleles (0.00062%); highest among the groups gnomAD compares: Non-Finnish European, 0.00085%; no homozygotes.

Submission:

Labcorp Genetics (formerly Invitae), Labcorp
Classification: Uncertain significance. Last evaluated: 2025-09-18. Review status: criteria provided, single submitter. Criteria: Invitae Variant Classification Sherloc (09022015). Collection method: clinical testing. Allele origin: germline.
Comment: This sequence change replaces leucine, which is neutral and non-polar, with arginine, which is basic and polar, at codon 1100 of the FLNB protein (p.Leu1100Arg). This variant is present in population databases (rs372776778, gnomAD 0.006%). This variant has not been reported in the literature in individuals affected with FLNB-related conditions. ClinVar contains an entry for this variant (Variation ID: 1488755). Invitae Evidence Modeling of protein sequence and biophysical properties (such as structural, functional, and spatial information, amino acid conservation, physicochemical variation, residue mobility, and thermodynamic stability) indicates that this missense variant is not expected to disrupt FLNB protein function with a negative predictive value of 95%. In summary, the available evidence is currently insufficient to determine the role of this variant in disease. Therefore, it has been classified as a Variant of Uncertain Significance.

NM_001457.4(FLNB):c.3299T>G (p.Leu1100Arg)

Gene: FLNB (filamin B; plus strand). Cytogenetic location: 3p14.3.
Variant type: single nucleotide variant.
Coding change: c.3299T>G on transcript NM_001457.4 (MANE Select); coding-DNA position 3299, T replaced by G.
Protein change: p.Leu1100Arg; replaces leucine 1100 with arginine.
Molecular consequence: missense variant.
Genome position (GRCh38, 1-based): chr3:58,123,265, T>G. VCF-style: chr3-58123265-T-G. GRCh37 (hg19) VCF-style: chr3-58108992-T-G.
Other names: c.3299T>G, p.Leu1100Arg (NM_001164317.2, NM_001164318.2, NM_001164319.2); c.3299T>G (NM_001457.3); short protein forms L1100R.
Identifiers: ClinVar variation 1488755 (VCV001488755.7), dbSNP rs372776778, ClinGen allele CA2468380.